The following is an entry in ClinVar:

NM_001382430.1(AKT1):c.917T>C (p.Met306Thr)

Gene: AKT1 (AKT serine/threonine kinase 1; minus strand). Cytogenetic location: 14q32.33.
Variant type: single nucleotide variant.
Coding change: c.917T>C on transcript NM_001382430.1 (MANE Select); coding-DNA position 917, T replaced by C.
Protein change: p.Met306Thr; replaces methionine 306 with threonine.
Molecular consequence: missense variant.
Genome position (GRCh38, 1-based): chr14:104,773,291, A>G on the plus strand (T>C on the coding strand, the complement: AKT1 is on the minus strand). VCF-style: chr14-104773291-A-G. GRCh37 (hg19) VCF-style: chr14-105239628-A-G.
Other names: c.917T>C, p.Met306Thr (NM_001014431.2, NM_001014432.2, NM_001382431.1 and 3 more transcripts); short protein forms M306T.
Identifiers: ClinVar variation 540888 (VCV000540888.6), dbSNP rs1555383471, ClinGen allele CA391217685.

ClinVar aggregate classification (germline): Uncertain significance (1 of 4 stars; one submission).

Conditions:
Cowden syndrome 6 (CWS6). Identifiers: Orphanet 201, MedGen C3554519, MONDO:0014048, OMIM 615109.

Allele frequency attached by ClinVar (database versions not stated): gnomAD exomes below 0.00001.

Submission:

Labcorp Genetics (formerly Invitae), Labcorp
Classification: Uncertain significance for Cowden syndrome 6. Last evaluated: 2021-12-16. Review status: criteria provided, single submitter. Criteria: Invitae Variant Classification Sherloc (09022015). Collection method: clinical testing. Allele origin: germline.
Comment: In summary, the available evidence is currently insufficient to determine the role of this variant in disease. Therefore, it has been classified as a Variant of Uncertain Significance. Algorithms developed to predict the effect of missense changes on protein structure and function are either unavailable or do not agree on the potential impact of this missense change (SIFT: "Tolerated"; PolyPhen-2: "Probably Damaging"; Align-GVGD: "Class C0"). ClinVar contains an entry for this variant (Variation ID: 540888). This variant has not been reported in the literature in individuals affected with AKT1-related conditions. This variant is not present in population databases (gnomAD no frequency). This sequence change replaces methionine, which is neutral and non-polar, with threonine, which is neutral and polar, at codon 306 of the AKT1 protein (p.Met306Thr).